The following is an entry in ClinVar:

NM_144973.4(DENND5B):c.128-3722A>C

Gene: DENND5B (DENN domain containing 5B; minus strand). Cytogenetic location: 12p11.21.
Variant type: single nucleotide variant.
Coding change: c.128-3722A>C on transcript NM_144973.4 (MANE Select); 3722 bases into the intron before coding-DNA position 128, A replaced by C.
Molecular consequence: intron variant. On other transcripts: missense variant (3).
Genome position (GRCh38, 1-based): chr12:31,499,641, T>G on the plus strand (A>C on the coding strand, the complement: DENND5B is on the minus strand). VCF-style: chr12-31499641-T-G. GRCh37 (hg19) VCF-style: chr12-31652575-T-G.
Other names: c.197A>C, p.His66Pro (NM_001308339.2); c.158A>C, p.His53Pro (NM_001366890.1, NM_001366893.1); c.128-3722A>C (NM_001366891.1, NM_001366892.1); short protein forms H53P, H66P.
Identifiers: ClinVar variation 3771858 (VCV003771858.13).

ClinVar aggregate classification (germline): Uncertain significance (1 of 4 stars; one submission).

Submission:

CeGaT Center for Human Genetics Tuebingen
Classification: Uncertain significance. Last evaluated: 2025-01-01. Review status: criteria provided, single submitter. Criteria: CeGaT Center For Human Genetics Tuebingen Variant Classification Criteria Version 2. Collection method: clinical testing. Allele origin: germline. Affected: yes. Observed: 1 variant allele.
Comment: DENND5B: PM2, BP4